The following is an entry in ClinVar:

ClinVar aggregate classification (germline): Conflicting classifications of pathogenicity. Review status: criteria provided, conflicting classifications (1 of 4 stars). 2 submissions from 2 submitters: Uncertain significance (1); Likely benign (1). Last evaluated 2024-05-01.

Conditions:
Primary ciliary dyskinesia. Also called: Ciliary dyskinesia. Identifiers: Orphanet 244, MedGen C0008780, MONDO:0016575, HP:0012265.

Submissions (2):

Labcorp Genetics (formerly Invitae), Labcorp
Classification: Uncertain significance for Primary ciliary dyskinesia. Last evaluated: 2024-05-01. Review status: criteria provided, single submitter. Criteria: Invitae Variant Classification Sherloc (09022015). Collection method: clinical testing. Allele origin: germline.
Comment: This variant, c.2643_2645del, results in the deletion of 1 amino acid(s) of the RPGR (ORF15) protein (p.Glu882del), but otherwise preserves the integrity of the reading frame. The frequency data for this variant in the population databases is considered unreliable, as metrics indicate poor data quality at this position in the gnomAD database. This variant has not been reported in the literature in individuals affected with RPGR (ORF15)-related conditions. Experimental studies and prediction algorithms are not available or were not evaluated, and the functional significance of this variant is currently unknown. In summary, the available evidence is currently insufficient to determine the role of this variant in disease. Therefore, it has been classified as a Variant of Uncertain Significance.

PreventionGenetics, part of Exact Sciences
Classification: Likely benign. Last evaluated: 2019-01-23. Review status: criteria provided, single submitter. Criteria: ACMG Guidelines, 2015. Collection method: clinical testing. Allele origin: germline.

NM_001034853.2(RPGR):c.2640GGA[1] (p.Glu882del)

Gene: RPGR (retinitis pigmentosa GTPase regulator; minus strand). Cytogenetic location: Xp11.4.
Variant type: Microsatellite.
Coding change: c.2640GGA[1] on transcript NM_001034853.2 (MANE Select); one copy of the 3-base unit GGA starting at c.2640; the reference has two copies in a row; one copy, 3 bases deleted.
Protein change: p.Glu882del; deletes glutamic acid 882.
Molecular consequence: inframe deletion. On other transcripts: intron variant (8).
Genome position (GRCh38, 1-based): chrX:38,286,354-38,286,356, TCC deleted on the plus strand (GGA on the coding strand, the reverse complement: RPGR is on the minus strand); deleting any 3 consecutive bases within chrX:38,286,354-38,286,361 gives the same sequence; the position shown is the placement nearest the transcript's 3' end. VCF-style (leftmost placement, unchanged base first): chrX-38286353-TTCC-T. GRCh37 (hg19) VCF-style: chrX-38145606-TTCC-T.
Other names: c.1569+4603_1569+4605del (NM_001367249.1, NM_001367250.1); c.1902+738_1902+740del (NM_001367245.1); c.1386+4603_1386+4605del (NM_001367251.1); c.1719+738_1719+740del (NM_001367246.1); c.1572+4603_1572+4605del (NM_001367247.1); c.1905+738_1905+740del (NM_000328.3); c.1602+4603_1602+4605del (NM_001367248.1); short protein forms E882del.
Identifiers: ClinVar variation 1802302 (VCV001802302.7), dbSNP rs749799824, ClinGen allele CA10385257.